The following is an entry in ClinVar:

ClinVar aggregate classification (germline): Uncertain significance (1 of 4 stars; one submission).

Conditions:
Lymphatic malformation 9. Identifiers: MedGen C5543365, MONDO:0030270, OMIM 619319.

Submission:

Clinical Genomics Laboratory, Washington University in St. Louis
Classification: Uncertain significance for Lymphatic malformation 9. Last evaluated: 2025-11-30. Review status: criteria provided, single submitter. Criteria: Leon-Quintero et al. (Clin Genet. 2025). Collection method: clinical testing. Allele origin: somatic.
Comment: A CELSR1 c.2744C>T (p.Ser915Phe) variant was identified at an allelic fraction consistent with somatic origin. This variant, to our knowledge, has not been reported in the medical literature or in the ClinVar database. It is absent from the general population (gnomAD v4.1.0), indicating it is not a common variant. Computational predictors are uncertain as to the impact of this variant on CELSR1 function. Due to limited information, and based on an internally developed protocol informed by the ACMG/AMP guidelines for variant interpretation and gene-specific practices from the ClinGen Criteria Specification Registry (Leon-Quintero FZ et al., PMID: 39434542), the clinical significance of the CELSR1 c.2744C>T (p.Ser915Phe) is uncertain at this time.

NM_001378328.1(CELSR1):c.2744C>T (p.Ser915Phe)

Gene: CELSR1 (cadherin EGF LAG seven-pass G-type receptor 1; minus strand). Cytogenetic location: 22q13.31.
Variant type: single nucleotide variant.
Coding change: c.2744C>T on transcript NM_001378328.1 (MANE Select); coding-DNA position 2744, C replaced by T.
Protein change: p.Ser915Phe; replaces serine 915 with phenylalanine.
Molecular consequence: missense variant.
Genome position (GRCh38, 1-based): chr22:46,534,427, G>A on the plus strand (C>T on the coding strand, the complement: CELSR1 is on the minus strand). VCF-style: chr22-46534427-G-A. GRCh37 (hg19) VCF-style: chr22-46930324-G-A.
Other names: c.2744C>T, p.Ser915Phe (NM_014246.4); short protein forms S915F.
Identifiers: ClinVar variation 4974553 (VCV004974553.1).